The following is an entry in ClinVar:

NM_014727.3(KMT2B):c.5103T>A (p.Asp1701Glu)

Gene: KMT2B (lysine methyltransferase 2B; plus strand). Cytogenetic location: 19q13.12.
Variant type: single nucleotide variant.
Coding change: c.5103T>A on transcript NM_014727.3 (MANE Select); coding-DNA position 5103, T replaced by A.
Protein change: p.Asp1701Glu; replaces aspartic acid 1701 with glutamic acid.
Molecular consequence: missense variant.
Genome position (GRCh38, 1-based): chr19:35,730,368, T>A. VCF-style: chr19-35730368-T-A. GRCh37 (hg19) VCF-style: chr19-36221269-T-A.
Other names: short protein forms D1701E.
Identifiers: ClinVar variation 3012794 (VCV003012794.3), dbSNP rs1322199638, ClinGen allele CA405419435.

ClinVar aggregate classification (germline): Uncertain significance (1 of 4 stars; one submission).

Allele frequency attached by ClinVar (database versions not stated): TOPMed 0.00003; gnomAD exomes below 0.00001.
gnomAD v4.1: 1 of 1,613,054 alleles (0.000062%); highest among the groups gnomAD compares: Admixed American, 0.0017%; no homozygotes.

Submission:

Labcorp Genetics (formerly Invitae), Labcorp
Classification: Uncertain significance. Last evaluated: 2025-09-17. Review status: criteria provided, single submitter. Criteria: Invitae Variant Classification Sherloc (09022015). Collection method: clinical testing. Allele origin: germline.
Comment: This sequence change replaces aspartic acid, which is acidic and polar, with glutamic acid, which is acidic and polar, at codon 1701 of the KMT2B protein (p.Asp1701Glu). This variant is not present in population databases (gnomAD no frequency). This variant has not been reported in the literature in individuals affected with KMT2B-related conditions. ClinVar contains an entry for this variant (Variation ID: 3012794). Invitae Evidence Modeling of protein sequence and biophysical properties (such as structural, functional, and spatial information, amino acid conservation, physicochemical variation, residue mobility, and thermodynamic stability) indicates that this missense variant is not expected to disrupt KMT2B protein function with a negative predictive value of 95%. In summary, the available evidence is currently insufficient to determine the role of this variant in disease. Therefore, it has been classified as a Variant of Uncertain Significance.